The following is an entry in ClinVar:

NM_000399.5(EGR2):c.1009G>C (p.Glu337Gln)

Gene: EGR2 (early growth response 2; minus strand). Cytogenetic location: 10q21.3.
Variant type: single nucleotide variant.
Coding change: c.1009G>C on transcript NM_000399.5 (MANE Select); coding-DNA position 1009, G replaced by C.
Protein change: p.Glu337Gln; replaces glutamic acid 337 with glutamine.
Molecular consequence: missense variant.
Genome position (GRCh38, 1-based): chr10:62,813,629, C>G on the plus strand (G>C on the coding strand, the complement: EGR2 is on the minus strand). VCF-style: chr10-62813629-C-G. GRCh37 (hg19) VCF-style: chr10-64573389-C-G.
Other names: c.1009G>C, p.Glu337Gln (NM_001136177.3, NM_001136178.2); c.859G>C, p.Glu287Gln (NM_001136179.3, NM_001321037.2); short protein forms E287Q, E337Q.
Identifiers: ClinVar variation 1063033 (VCV001063033.7), dbSNP rs2132703249, ClinGen allele CA377028052.
Genomic context (GRCh38, chr10:62,813,629, plus strand): 5'-GCTCGTCAGAGCGGGAGAACCGCCGGTCGCAGCCTTCTGCTGGGCACGGGTAGGGCCTCT[C>G]GTGCACCGGCGTCTTGCTGGGTCTGTTGGGGTACTTGCGAGGCCTCAGAATGGGCCGCAG-3'
Protein context (NP_000390.2, residues 327-347): PNRPSKTPVH[Glu337Gln]RPYPCPAEGC

ClinVar aggregate classification (germline): Uncertain significance (1 of 4 stars; one submission).

Conditions:
Charcot-Marie-Tooth disease, type I (CMT1). Also called: Charcot-Marie-Tooth, Type 1; Charcot-Marie-Tooth disease type 1. Identifiers: Orphanet 65753, MedGen C0751036, MONDO:0019011.

gnomAD v4.1: 2 of 1,613,000 alleles (0.00012%); highest among the groups gnomAD compares: Non-Finnish European, 0.000085%; no homozygotes.

Submission:

Labcorp Genetics (formerly Invitae), Labcorp
Classification: Uncertain significance for Charcot-Marie-Tooth disease, type I. Last evaluated: 2020-11-21. Review status: criteria provided, single submitter. Criteria: Invitae Variant Classification Sherloc (09022015). Collection method: clinical testing. Allele origin: germline.
Comment: In summary, the available evidence is currently insufficient to determine the role of this variant in disease. Therefore, it has been classified as a Variant of Uncertain Significance. Algorithms developed to predict the effect of missense changes on protein structure and function are either unavailable or do not agree on the potential impact of this missense change (SIFT: "Not Available"; PolyPhen-2: "Possibly Damaging"; Align-GVGD: "Not Available"). This variant has not been reported in the literature in individuals with EGR2-related conditions. This variant is not present in population databases (ExAC no frequency). This sequence change replaces glutamic acid with glutamine at codon 337 of the EGR2 protein (p.Glu337Gln). The glutamic acid residue is highly conserved and there is a small physicochemical difference between glutamic acid and glutamine.